The following is an entry in ClinVar:

NM_005458.8(GABBR2):c.1364C>A (p.Thr455Asn)

Gene: GABBR2 (gamma-aminobutyric acid type B receptor subunit 2; minus strand). Cytogenetic location: 9q22.33.
Variant type: single nucleotide variant.
Coding change: c.1364C>A on transcript NM_005458.8 (MANE Select); coding-DNA position 1364, C replaced by A.
Protein change: p.Thr455Asn; replaces threonine 455 with asparagine.
Molecular consequence: missense variant.
Genome position (GRCh38, 1-based): chr9:98,394,189, G>T on the plus strand (C>A on the coding strand, the complement: GABBR2 is on the minus strand). VCF-style: chr9-98394189-G-T. GRCh37 (hg19) VCF-style: chr9-101156471-G-T.
Other names: short protein forms T455N.
Identifiers: ClinVar variation 944184 (VCV000944184.11), dbSNP rs373607825, ClinGen allele CA5152745.

ClinVar aggregate classification (germline): Conflicting classifications of pathogenicity. Review status: criteria provided, conflicting classifications (1 of 4 stars). 3 submissions from 3 submitters: Uncertain significance (1); Benign (1); Likely benign (1). Last evaluated 2026-01-19.

Conditions:
Epileptic encephalopathy. Identifiers: MedGen C0543888, HP:0200134.
Inborn genetic diseases. Identifiers: MedGen C0950123, MeSH D030342.

Allele frequency attached by ClinVar (database versions not stated): gnomAD exomes 0.00002 and 0.00004; ExAC 0.00007; gnomAD 0.00015 and 0.00016; TOPMed 0.00017; ESP Exome Variant Server 0.00031.
gnomAD v4.1: 50 of 1,612,912 alleles (0.0031%); highest among the groups gnomAD compares: African/African-American, 0.061%; no homozygotes.

Submissions (3):

Labcorp Genetics (formerly Invitae), Labcorp
Classification: Benign for Epileptic encephalopathy. Last evaluated: 2026-01-19. Review status: criteria provided, single submitter. Criteria: Invitae Variant Classification Sherloc (09022015). Collection method: clinical testing. Allele origin: germline.

Ambry Genetics
Classification: Likely benign for Inborn genetic diseases. Last evaluated: 2025-08-25. Review status: criteria provided, single submitter. Criteria: Ambry Variant Classification Scheme 2023. Collection method: clinical testing. Allele origin: germline.

Women's Health and Genetics/Laboratory Corporation of America, LabCorp
Classification: Uncertain significance. Last evaluated: 2022-02-01. Review status: criteria provided, single submitter. Criteria: LabCorp Variant Classification Summary - May 2015. Collection method: clinical testing. Allele origin: germline.
Comment: Variant summary: GABBR2 c.1364C>A (p.Thr455Asn) results in a non-conservative amino acid change in the encoded protein sequence. Three of five in-silico tools predict a benign effect of the variant on protein function. The variant allele was found at a frequency of 4e-05 in 251328 control chromosomes (gnomAD). This frequency is not significantly higher than expected for a pathogenic variant in GABBR2 causing Early Infantile Epileptic Encephalopathy 59 (4e-05 vs ND), allowing no conclusion about variant significance. To our knowledge, no occurrence of c.1364C>A in individuals affected with Early Infantile Epileptic Encephalopathy 59 and no experimental evidence demonstrating its impact on protein function have been reported. One clinical diagnostic laboratory has submitted clinical-significance assessments for this variant to ClinVar after 2014 without evidence for independent evaluation and classified the variant as uncertain significance. Based on the evidence outlined above, the variant was classified as uncertain significance.